The following is an entry in ClinVar:

NM_006005.3(WFS1):c.812_835del (p.Asp271_Pro279delinsAla)

Gene: WFS1 (wolframin ER transmembrane glycoprotein; plus strand). Cytogenetic location: 4p16.1.
Variant type: Deletion.
Coding change: c.812_835del on transcript NM_006005.3 (MANE Select); coding-DNA positions 812 to 835, 24 bases deleted (ATGACGAGCTGGCGGGGAAGAGCC).
Protein change: p.Asp271_Pro279delinsAla.
Molecular consequence: inframe indel.
Genome position (GRCh38, 1-based): chr4:6,295,140-6,295,163, ATGACGAGCTGGCGGGGAAGAGCC deleted. VCF-style (leftmost placement, unchanged base first): chr4-6295139-GATGACGAGCTGGCGGGGAAGAGCC-G. GRCh37 (hg19) VCF-style: chr4-6296866-GATGACGAGCTGGCGGGGAAGAGCC-G.
Other names: c.812_835del, p.Asp271_Pro279delinsAla (NM_001145853.1).
Identifiers: ClinVar variation 2003288 (VCV002003288.4), dbSNP rs2474181655, ClinGen allele CA2580071778.
Genomic context (GRCh38, chr4:6,295,139, plus strand): 5'-ACTAAGAAGTACGCCAAGGGCGTCATCCCCAGCAGCCTGTTCCTGCAGGACGACGAAGAT[GATGACGAGCTGGCGGGGAAGAGCC>G]CTGAGGACCTGCCACTGCGTCTGAAGGTGAGTGACCAAGACCCCGGTCAGGCCGGAGCCT-3'

ClinVar aggregate classification (germline): Uncertain significance (1 of 4 stars; one submission).

Submission:

Labcorp Genetics (formerly Invitae), Labcorp
Classification: Uncertain significance. Last evaluated: 2022-06-08. Review status: criteria provided, single submitter. Criteria: Invitae Variant Classification Sherloc (09022015). Collection method: clinical testing. Allele origin: germline.
Comment: In summary, the available evidence is currently insufficient to determine the role of this variant in disease. Therefore, it has been classified as a Variant of Uncertain Significance. Experimental studies and prediction algorithms are not available or were not evaluated, and the functional significance of this variant is currently unknown. This variant has not been reported in the literature in individuals affected with WFS1-related conditions. This variant is not present in population databases (gnomAD no frequency). This variant, c.812_835del, is a complex sequence change that results in the deletion of 9 and insertion of 1 amino acid(s) in the WFS1 protein (p.Asp271_Pro279delinsAla).